The following is an entry in ClinVar:

NM_003072.5(SMARCA4):c.333C>T (p.Ser111=)

Gene: SMARCA4 (SWI/SNF related BAF chromatin remodeling complex subunit ATPase 4; plus strand). Cytogenetic location: 19p13.2.
Variant type: single nucleotide variant.
Coding change: c.333C>T on transcript NM_003072.5 (MANE Select); coding-DNA position 333, C replaced by T.
Protein change: p.Ser111=; no amino-acid change (serine 111 retained).
Molecular consequence: synonymous variant. On other transcripts: non-coding transcript variant (1).
Genome position (GRCh38, 1-based): chr19:10,985,383, C>T. VCF-style: chr19-10985383-C-T. GRCh37 (hg19) VCF-style: chr19-11096059-C-T.
Other names: c.333C>T, p.Ser111= (NM_001128844.3, NM_001128845.2, NM_001128846.2 and 4 more transcripts).
Identifiers: ClinVar variation 823631 (VCV000823631.13), dbSNP rs1599942009, ClinGen allele CA505488010.

ClinVar aggregate classification (germline): Benign/Likely benign. Review status: criteria provided, multiple submitters, no conflicts (2 of 4 stars). 3 submissions from 3 submitters: Benign (1); Likely benign (2). Last evaluated 2026-07-08.

Conditions:
Rhabdoid tumor predisposition syndrome 2 (RTPS2). Identifiers: Orphanet 231108, Orphanet 69077, MedGen C2750074, MONDO:0013224, OMIM 613325.
Hereditary cancer-predisposing syndrome. Also called: Hereditary neoplastic syndrome; Neoplastic Syndromes, Hereditary; Tumor predisposition; Hereditary Cancer Syndrome. Identifiers: Orphanet 140162, MedGen C0027672, MeSH D009386, MONDO:0015356.

Submissions (3):

Myriad Genetics, Inc.
Classification: Benign for Rhabdoid tumor predisposition syndrome 2. Last evaluated: 2026-07-08. Review status: criteria provided, single submitter. Criteria: Myriad Autosomal Dominant, Autosomal Recessive and X-Linked Classification Criteria (2023). Collection method: clinical testing. Allele origin: unknown.
Comment: This variant is considered benign. This variant is a silent/synonymous amino acid change and it is not expected to impact splicing.

Labcorp Genetics (formerly Invitae), Labcorp
Classification: Likely benign for Rhabdoid tumor predisposition syndrome 2. Last evaluated: 2024-04-24. Review status: criteria provided, single submitter. Criteria: Invitae Variant Classification Sherloc (09022015). Collection method: clinical testing. Allele origin: germline.

Ambry Genetics
Classification: Likely benign for Hereditary cancer-predisposing syndrome. Last evaluated: 2019-10-24. Review status: criteria provided, single submitter. Criteria: Ambry Variant Classification Scheme 2023. Collection method: clinical testing. Allele origin: germline.